The following is an entry in ClinVar:

NM_001184880.2(PCDH19):c.1820T>C (p.Met607Thr)

Gene: PCDH19 (protocadherin 19; minus strand). Cytogenetic location: Xq22.1.
Variant type: single nucleotide variant.
Coding change: c.1820T>C on transcript NM_001184880.2 (MANE Select); coding-DNA position 1820, T replaced by C.
Protein change: p.Met607Thr; replaces methionine 607 with threonine.
Molecular consequence: missense variant.
Genome position (GRCh38, 1-based): chrX:100,406,778, A>G on the plus strand (T>C on the coding strand, the complement: PCDH19 is on the minus strand). VCF-style: chrX-100406778-A-G. GRCh37 (hg19) VCF-style: chrX-99661776-A-G.
Other names: p.M607T:ATG>ACG; c.1820T>C, p.Met607Thr (NM_001105243.2, NM_020766.3); short protein forms M607T.
Identifiers: ClinVar variation 206339 (VCV000206339.2), dbSNP rs796052821, ClinGen allele CA316371.
Genomic context (GRCh38, chrX:100,406,778, plus strand): 5'-GTGGTTCTGACTTCGCCATTGACCTGGTCTATTTCAAAGAAGCCGCGGTCGCCCTCGGTC[A>G]TGTCGTAGGTGACTCGGCCATTTTCGCCCTCATCGTAGTCTTCTGCCTTGACAACAGTCA-3'
Protein context (NP_001171809.1, residues 597-617): EGENGRVTYD[Met607Thr]TEGDRGFFEI

ClinVar aggregate classification (germline): Uncertain significance (1 of 4 stars; one submission).

Allele frequency attached by ClinVar (database versions not stated): gnomAD exomes below 0.00001.
gnomAD v4.1: 1 of 1,211,740 alleles (0.000083%); highest among the groups gnomAD compares: Non-Finnish European, 0.00011%; no homozygotes.

Submission:

GeneDx
Classification: Uncertain significance. Last evaluated: 2014-06-03. Review status: criteria provided, single submitter. Criteria: GeneDx Variant Classification (06012015). Collection method: clinical testing. Allele origin: germline. Affected: yes.
Comment: This variant is denoted p.Met607Thr (ATG>ACG): c.1820 T>C in exon 1 of the PCDH19 gene (NM_001105243.1). The M607T variant has not been published as a mutation, nor has it been reported as a benign polymorphism to our knowledge. It was not observed in approximately 6,200 individuals of European and African American ancestry in the NHLBI Exome Sequencing Project, indicating it is not a common benign variant in these populations. This substitution occurs at a position that is not conserved across species in the cadherin 6 domain of the protein, and in silico analysis is inconsistent in its predictions as to whether or not the variant is damaging to the protein structure/function. However, the M607T variant is a non-conservative amino acid substitution, which is likely to impact secondary protein structure as these residues differ in polarity, charge, size and/or other properties. In addition, multiple missense mutations in nearby residues and in the same region of the protein have been reported in association with PCDH19-related disorders, supporting the functional importance of this region of the protein. Therefore, based on the currently available information, it is unclear whether this variant is a pathogenic mutation or a rare benign variant. The variant is found in CHILD-EPI panel(s).